The following is an entry in ClinVar:

NM_032119.4(ADGRV1):c.4377C>T (p.Asp1459=)

Gene: ADGRV1 (adhesion G protein-coupled receptor V1; plus strand). Cytogenetic location: 5q14.3.
Variant type: single nucleotide variant.
Coding change: c.4377C>T on transcript NM_032119.4 (MANE Select); coding-DNA position 4377, C replaced by T.
Protein change: p.Asp1459=; no amino-acid change (aspartic acid 1459 retained).
Molecular consequence: synonymous variant. On other transcripts: non-coding transcript variant (1).
Genome position (GRCh38, 1-based): chr5:90,653,951, C>T. VCF-style: chr5-90653951-C-T. GRCh37 (hg19) VCF-style: chr5-89949768-C-T.
Other names: c.4377C>T (NM_032119.3).
Identifiers: ClinVar variation 376997 (VCV000376997.7), dbSNP rs745380273, ClinGen allele CA3339335.
Genomic context (GRCh38, chr5:90,653,951, plus strand): 5'-CCTGGATGGAAATGCAATGCCCAGGGGAATCAAGAGTCTGAAAGGAGAAGCCATTACTGA[C>T]GGTGAGGGTCATCATCACAACTAGGACACTGAAATTTGCAGTTTCTAAAATTTTTCATTA-3'
Protein context (NP_115495.3, residues 1449-1469): IKSLKGEAIT[Asp1459=]GPGILRIGAG

ClinVar aggregate classification (germline): Conflicting classifications of pathogenicity. Review status: criteria provided, conflicting classifications (1 of 4 stars). 5 submissions from 5 submitters: Uncertain significance (4); Likely benign (1). Last evaluated 2025-08-21.

Conditions:
Inborn genetic diseases. Identifiers: MedGen C0950123, MeSH D030342.

Allele frequency attached by ClinVar (database versions not stated): gnomAD 0.00003 and 0.00004; ExAC 0.00004; gnomAD exomes 0.00006 and 0.00007; TOPMed 0.00009.
gnomAD v4.1: 109 of 1,554,020 alleles (0.007%); highest among the groups gnomAD compares: Non-Finnish European, 0.0087%; no homozygotes.

Submissions (5):

Ambry Genetics
Classification: Likely benign for Inborn genetic diseases. Last evaluated: 2025-08-21. Review status: criteria provided, single submitter. Criteria: Ambry Variant Classification Scheme 2023. Collection method: clinical testing. Allele origin: germline.

Blueprint Genetics
Classification: Uncertain significance. Last evaluated: 2023-05-17. Review status: criteria provided, single submitter. Criteria: ACMG Guidelines, 2015. Collection method: clinical testing. Allele origin: germline.

Labcorp Genetics (formerly Invitae), Labcorp
Classification: Uncertain significance. Last evaluated: 2021-12-24. Review status: criteria provided, single submitter. Criteria: Invitae Variant Classification Sherloc (09022015). Collection method: clinical testing. Allele origin: germline.
Comment: This sequence change affects codon 1459 of the ADGRV1 mRNA. It is a 'silent' change, meaning that it does not change the encoded amino acid sequence of the ADGRV1 protein. It affects a nucleotide within the consensus splice site. This variant is present in population databases (rs745380273, gnomAD 0.008%). This variant has not been reported in the literature in individuals affected with ADGRV1-related conditions. ClinVar contains an entry for this variant (Variation ID: 376997). Algorithms developed to predict the effect of sequence changes on RNA splicing suggest that this variant may disrupt the consensus splice site. In summary, the available evidence is currently insufficient to determine the role of this variant in disease. Therefore, it has been classified as a Variant of Uncertain Significance.

Center for Pediatric Genomic Medicine, Children's Mercy Hospital and Clinics
Classification: Uncertain significance. Last evaluated: 2016-10-26. Review status: criteria provided, single submitter. Criteria: ACMG Guidelines, 2015. Collection method: clinical testing. Allele origin: germline.
ClinVar note: Converted during submission from Uncertain Significance to Uncertain significance.

Breakthrough Genomics
Classification: Uncertain significance. Review status: criteria provided, single submitter. Criteria: ACMG Guidelines, 2015. Collection method: not provided. Allele origin: germline. Inheritance: Autosomal recessive inheritance. Affected: yes.